The following is an entry in ClinVar:

ClinVar aggregate classification (germline): Uncertain significance (1 of 4 stars; one submission).

Conditions:
Inborn genetic diseases. Identifiers: MedGen C0950123, MeSH D030342.

gnomAD v4.1: 6 of 1,614,098 alleles (0.00037%); highest among the groups gnomAD compares: African/African-American, 0.0013%; no homozygotes.

Submission:

Ambry Genetics
Classification: Uncertain significance for Inborn genetic diseases. Last evaluated: 2026-07-14. Review status: criteria provided, single submitter. Criteria: Ambry Variant Classification Scheme 2023. Collection method: clinical testing. Allele origin: germline.
Comment: The c.872G>A (p.R291Q) alteration is located in exon 7 (coding exon 7) of the ACOX1 gene. This alteration results from a G to A substitution at nucleotide position 872, causing the arginine (R) at amino acid position 291 to be replaced by a glutamine (Q). Based on data from gnomAD, the A allele has an overall frequency of <0.001% (1/251462) total alleles studied. The highest observed frequency was 0.003% (1/30616) of South Asian alleles. Based on insufficient or conflicting evidence, the clinical significance of this alteration remains unclear.

NM_004035.7(ACOX1):c.872G>A (p.Arg291Gln)

Gene: ACOX1 (acyl-CoA oxidase 1; minus strand). Cytogenetic location: 17q25.1.
Variant type: single nucleotide variant.
Coding change: c.872G>A on transcript NM_004035.7 (MANE Select); coding-DNA position 872, G replaced by A.
Protein change: p.Arg291Gln; replaces arginine 291 with glutamine.
Molecular consequence: missense variant.
Genome position (GRCh38, 1-based): chr17:75,953,523, C>T on the plus strand (G>A on the coding strand, the complement: ACOX1 is on the minus strand). VCF-style: chr17-75953523-C-T. GRCh37 (hg19) VCF-style: chr17-73949604-C-T.
Other names: c.758G>A, p.Arg253Gln (NM_001185039.2); c.872G>A, p.Arg291Gln (NM_007292.6); short protein forms R291Q, R253Q.
Identifiers: ClinVar variation 5031185 (VCV005031185.1).